The following is an entry in ClinVar:

ClinVar aggregate classification (germline): Benign. Review status: criteria provided, multiple submitters, no conflicts (2 of 4 stars). 8 submissions from 8 submitters: Benign (8). Last evaluated 2026-02-04.

Conditions:
Deficiency of 2-methylbutyryl-CoA dehydrogenase (ACADSB). Also called: 2-methylbutyryl-CoA dehydrogenase deficiency; SBCAD deficiency; 2-methylbutyric aciduria; Short branched-chain acyl-CoA dehydrogenase deficiency; 2-methylbutyrylglycinuria. Identifiers: Orphanet 79157, MedGen C1864912, MONDO:0012392, OMIM 610006, HP:0020147.

Allele frequency attached by ClinVar (database versions not stated): TOPMed 0.21801; 1000 Genomes Project 30x 0.22642; gnomAD 0.22709 and 0.22865; 1000 Genomes Project 0.22784; ESP Exome Variant Server 0.22813; gnomAD exomes 0.23709; ExAC 0.23875.
gnomAD v4.1: 378,219 of 1,613,666 alleles (23%); highest among the groups gnomAD compares: South Asian, 31%; 45,199 homozygotes.

Submissions (8):

Labcorp Genetics (formerly Invitae), Labcorp
Classification: Benign for Deficiency of 2-methylbutyryl-CoA dehydrogenase. Last evaluated: 2026-02-04. Review status: criteria provided, single submitter. Criteria: Invitae Variant Classification Sherloc (09022015). Collection method: clinical testing. Allele origin: germline.

Women's Health and Genetics/Laboratory Corporation of America, LabCorp
Classification: Benign. Last evaluated: 2025-07-28. Review status: criteria provided, single submitter. Criteria: LabCorp Variant Classification Summary - May 2015. Collection method: clinical testing. Allele origin: germline.

Blueprint Genetics
Classification: Benign. Last evaluated: 2024-11-27. Review status: criteria provided, single submitter. Criteria: ACMG Guidelines, 2015. Collection method: clinical testing. Allele origin: germline.

Mayo Clinic Laboratories, Mayo Clinic
Classification: Benign. Last evaluated: 2022-04-26. Review status: criteria provided, single submitter. Criteria: ACMG Guidelines, 2015. Collection method: clinical testing. Allele origin: germline. Observed: 27 variant alleles.

Genome-Nilou Lab
Classification: Benign for Deficiency of 2-methylbutyryl-CoA dehydrogenase. Last evaluated: 2021-07-14. Review status: criteria provided, single submitter. Criteria: ACMG Guidelines, 2015. Collection method: clinical testing. Allele origin: germline. Affected: no.

Illumina Laboratory Services, Illumina
Classification: Benign for Deficiency of 2-methylbutyryl-CoA dehydrogenase. Last evaluated: 2018-01-12. Review status: criteria provided, single submitter. Criteria: ICSL Variant Classification Criteria 13 December 2019. Collection method: clinical testing. Allele origin: germline.
Comment: This variant was observed in the ICSL laboratory as part of a predisposition screen in an ostensibly healthy population. It had not been previously curated by ICSL or reported in the Human Gene Mutation Database (HGMD: prior to June 1st, 2018), and was therefore a candidate for classification through an automated scoring system. Utilizing variant allele frequency, disease prevalence and penetrance estimates, and inheritance mode, an automated score was calculated to assess if this variant is too frequent to cause the disease. Based on the score and internal cut-off values, a variant classified as benign is not then subjected to further curation. The score for this variant resulted in a classification of benign for this disease.

GeneDx
Classification: Benign. Last evaluated: 2015-03-03. Review status: criteria provided, single submitter. Criteria: GeneDx Variant Classification Process June 2021. Collection method: clinical testing. Allele origin: germline. Affected: yes.

Breakthrough Genomics
Classification: Benign. Review status: criteria provided, single submitter. Criteria: ACMG Guidelines, 2015. Collection method: not provided. Allele origin: germline. Inheritance: Autosomal recessive inheritance. Affected: yes.

NM_001609.4(ACADSB):c.639C>T (p.His213=)

Gene: ACADSB (acyl-CoA dehydrogenase short/branched chain; plus strand). Cytogenetic location: 10q26.13.
Variant type: single nucleotide variant.
Coding change: c.639C>T on transcript NM_001609.4 (MANE Select); coding-DNA position 639, C replaced by T.
Protein change: p.His213=; no amino-acid change (histidine 213 retained).
Molecular consequence: synonymous variant.
Genome position (GRCh38, 1-based): chr10:123,041,337, C>T. VCF-style: chr10-123041337-C-T. GRCh37 (hg19) VCF-style: chr10-124800853-C-T.
Other names: p.His213=; c.333C>T, p.His111= (NM_001330174.3).
Identifiers: ClinVar variation 299076 (VCV000299076.22), dbSNP rs1140591, ClinGen allele CA5730756.
Genomic context (GRCh38, chr10:123,041,337, plus strand): 5'-TAAAGAGGGAGATTATTATGTCCTCAATGGATCAAAGATGTGGATCAGCAGTGCTGAGCA[C>T]GCAGGGCTCTTTCTGGTGATGGCAAATGTAGACCCTACCATTGTAAGTTTGAAAACGAAA-3'
Protein context (NP_001600.1, residues 203-223): GSKMWISSAE[His213=]AGLFLVMANV